The following is an entry in ClinVar:

ClinVar aggregate classification (germline): Pathogenic (1 of 4 stars; one submission).

Conditions:
ALG12-congenital disorder of glycosylation (CDG1G). Also called: CDG Ig; ALG12-CDG; Congenital disorder of glycosylation, type Ig. Identifiers: Orphanet 79324, MedGen C2931001, MONDO:0011783, OMIM 607143.

Allele frequency attached by ClinVar (database versions not stated): gnomAD exomes below 0.00001.
gnomAD v4.1: 1 of 1,614,236 alleles (0.000062%); highest among the groups gnomAD compares: Admixed American, 0.0017%; no homozygotes.

Submission:

Labcorp Genetics (formerly Invitae), Labcorp
Classification: Pathogenic for ALG12-congenital disorder of glycosylation. Last evaluated: 2023-11-04. Review status: criteria provided, single submitter. Criteria: Invitae Variant Classification Sherloc (09022015). Collection method: clinical testing. Allele origin: germline.
Comment: This sequence change creates a premature translational stop signal (p.Trp244*) in the ALG12 gene. It is expected to result in an absent or disrupted protein product. Loss-of-function variants in ALG12 are known to be pathogenic (PMID: 15639192, 31481313). This variant is not present in population databases (gnomAD no frequency). This variant has not been reported in the literature in individuals affected with ALG12-related conditions. Algorithms developed to predict the effect of sequence changes on RNA splicing suggest that this variant may disrupt the consensus splice site. For these reasons, this variant has been classified as Pathogenic.

Literature cited by the submitters: PubMed 15639192; PubMed 31481313.

NM_024105.4(ALG12):c.731G>A (p.Trp244Ter)

Gene: ALG12 (ALG12 alpha-1,6-mannosyltransferase; minus strand). Cytogenetic location: 22q13.33.
Variant type: single nucleotide variant.
Coding change: c.731G>A on transcript NM_024105.4 (MANE Select); coding-DNA position 731, G replaced by A.
Protein change: p.Trp244Ter; replaces tryptophan 244 with a stop codon.
Molecular consequence: nonsense.
Genome position (GRCh38, 1-based): chr22:49,909,281, C>T on the plus strand (G>A on the coding strand, the complement: ALG12 is on the minus strand). VCF-style: chr22-49909281-C-T. GRCh37 (hg19) VCF-style: chr22-50302929-C-T.
Other names: short protein forms W244*.
Identifiers: ClinVar variation 2734803 (VCV002734803.3), dbSNP rs1569175699, ClinGen allele CA412074579.